The following is an entry in ClinVar:

ClinVar aggregate classification (germline): Uncertain significance (1 of 4 stars; one submission).

Conditions:
Hereditary diffuse gastric adenocarcinoma (HDGC). Also called: DIFFUSE GASTRIC AND LOBULAR BREAST CANCER SYNDROME. Identifiers: Orphanet 26106, MedGen C1708349, MONDO:0007648, OMIM 137215.

Allele frequency attached by ClinVar (database versions not stated): ExAC 0.00001.
gnomAD v4.1: 1 of 1,614,020 alleles (0.000062%); no homozygotes.

Submission:

Labcorp Genetics (formerly Invitae), Labcorp
Classification: Uncertain significance for Hereditary diffuse gastric adenocarcinoma. Last evaluated: 2020-09-29. Review status: criteria provided, single submitter. Criteria: Invitae Variant Classification Sherloc (09022015). Collection method: clinical testing. Allele origin: germline.
Comment: In summary, the available evidence is currently insufficient to determine the role of this variant in disease. Therefore, it has been classified as a Variant of Uncertain Significance. Algorithms developed to predict the effect of missense changes on protein structure and function (SIFT, PolyPhen-2, Align-GVGD) all suggest that this variant is likely to be disruptive, but these predictions have not been confirmed by published functional studies and their clinical significance is uncertain. This variant has not been reported in the literature in individuals with CDH1-related conditions. This variant is present in population databases (rs768467134, ExAC no frequency). This sequence change replaces tyrosine with cysteine at codon 302 of the CDH1 protein (p.Tyr302Cys). The tyrosine residue is highly conserved and there is a large physicochemical difference between tyrosine and cysteine.

NM_004360.5(CDH1):c.905A>G (p.Tyr302Cys)

Gene: CDH1 (cadherin 1; plus strand). Cytogenetic location: 16q22.1.
Variant type: single nucleotide variant.
Coding change: c.905A>G on transcript NM_004360.5 (MANE Select); coding-DNA position 905, A replaced by G.
Protein change: p.Tyr302Cys; replaces tyrosine 302 with cysteine.
Molecular consequence: missense variant. On other transcripts: 5 prime UTR variant (2).
Genome position (GRCh38, 1-based): chr16:68,811,756, A>G. VCF-style: chr16-68811756-A-G. GRCh37 (hg19) VCF-style: chr16-68845659-A-G.
Other names: c.905A>G, p.Tyr302Cys (NM_001317184.2); c.-711A>G (NM_001317185.2); c.-915A>G (NM_001317186.2); short protein forms Y302C.
Identifiers: ClinVar variation 1022387 (VCV001022387.9), dbSNP rs768467134, ClinGen allele CA8129953.